The following is an entry in ClinVar:

ClinVar aggregate classification (germline): Benign. Review status: reviewed by expert panel (3 of 4 stars). 14 submissions from 14 submitters: Benign (1). 13 of the submissions do not count toward it. Last evaluated 2025-05-20.

Conditions:
RPGR-related retinopathy. Also called: RPGR retinopathy. Identifiers: MedGen CN305589, MONDO:0100437.
Retinal dystrophy. Also called: Inherited retinal dystrophy. Identifiers: Orphanet 71862, MedGen C0854723, MeSH D058499, MONDO:0019118, HP:0000556.
Primary ciliary dyskinesia. Also called: Ciliary dyskinesia. Identifiers: Orphanet 244, MedGen C0008780, MONDO:0016575, HP:0012265.

Allele frequency attached by ClinVar (database versions not stated): ESP Exome Variant Server 0.00748; gnomAD 0.00806 and 0.00797; 1000 Genomes Project 30x 0.00250; gnomAD exomes 0.00831 and 0.01250; ExAC 0.00906; 1000 Genomes Project 0.00291; TOPMed 0.00682.
gnomAD v4.1: 14,454 of 1,208,127 alleles (1.2%); highest among the groups gnomAD compares: Non-Finnish European, 1.4%; 73 homozygotes.

Submissions (14):

ClinGen X-linked Inherited Retinal Disease Variant Curation Expert Panel, ClinGen
Classification: Benign for RPGR-related retinopathy. Last evaluated: 2025-05-20. Review status: reviewed by expert panel. Criteria: ClinGen X LinkedIRD ACMG Specifications RPGR V1.0.0. Collection method: curation. Allele origin: germline. Inheritance: X-linked inheritance.
Comment: The NM_001034853.2(RPGR):c.1367A>G (p.Gln456Arg) variant is a missense variant encoding the substitution of Glutamine with Arginine at amino acid 456. This variant is present in gnomAD v.4.1.0 at a frequency of 0.01145 among hemizygous individuals, with 4533 variant alleles / 395737 hemizygous alleles, which is higher than the ClinGen X-linked IRD VCEP BA1 threshold of >0.00005 (BA1). This variant has been reported in three probands with an alternate molecular basis for the disease (PMIDs: 18552978, 22334370, 11992260). However, the BP5 code is considered not applicable for RPGR-related retinopathy. The computational predictor REVEL gives a score of 0.016, which is below the ClinGen X-linked IRD VCEP threshold of < 0.016 and predicts a non-damaging effect on RPGR function. Additionally, the splicing impact predictor SpliceAI gives a delta score of 0.08, which is below the ClinGen X-linked IRD VCEP recommended threshold of <0.1 and does not strongly predict an impact on splicing (BP4_strong). In summary, this variant is classified as benign for RPGR-related retinopathy based on the ACMG/AMP criteria applied, as specified by the ClinGen X-linked IRD VCEP: BA1 and BP4_strong. (VCEP specifications version 1.0.0; date of approval 05/16/2025).

Labcorp Genetics (formerly Invitae), Labcorp
Classification: Benign for Primary ciliary dyskinesia. Last evaluated: 2026-02-01. Review status: criteria provided, single submitter. Criteria: Invitae Variant Classification Sherloc (09022015). Collection method: clinical testing. Allele origin: germline. Not counted in ClinVar's aggregate classification.

Blueprint Genetics
Classification: Benign. Last evaluated: 2024-11-28. Review status: criteria provided, single submitter. Criteria: ACMG Guidelines, 2015. Collection method: clinical testing. Allele origin: germline. Not counted in ClinVar's aggregate classification.

GeneDx
Classification: Likely benign. Last evaluated: 2022-04-12. Review status: criteria provided, single submitter. Criteria: GeneDx Variant Classification Process June 2021. Collection method: clinical testing. Allele origin: germline. Affected: yes. Not counted in ClinVar's aggregate classification.
Comment: See Variant Classification Assertion Criteria.

Center for Pediatric Genomic Medicine, Children's Mercy Hospital and Clinics
Classification: Benign. Last evaluated: 2016-12-30. Review status: criteria provided, single submitter. Criteria: ACMG Guidelines, 2015. Collection method: clinical testing. Allele origin: germline. Not counted in ClinVar's aggregate classification.

Laboratory for Molecular Medicine, Mass General Brigham Personalized Medicine
Classification: Benign. Last evaluated: 2015-01-13. Review status: criteria provided, single submitter. Criteria: LMM Criteria. Collection method: clinical testing. Allele origin: germline. Observed: 1 variant allele. Not counted in ClinVar's aggregate classification.
Comment: p.Gln456Arg in exon 11 of RPGR: This variant is not expected to have clinical significance because it has been identified in 1.1% (71/6728) of European American chromosomes from a broad population by the NHLBI Exome Sequencing Project (dbSNP rs144635565).

Ambry Genetics
Classification: Benign for Primary ciliary dyskinesia. Last evaluated: 2014-05-27. Review status: criteria provided, single submitter. Criteria: Ambry Variant Classification Scheme 2023. Collection method: clinical testing. Allele origin: germline. Not counted in ClinVar's aggregate classification.

Eurofins Ntd Llc (ga)
Classification: Benign. Last evaluated: 2013-08-30. Review status: criteria provided, single submitter. Criteria: EGL Classification Definitions 2015. Collection method: clinical testing. Allele origin: germline. Observed: 1 variant allele, 1 heterozygote. Not counted in ClinVar's aggregate classification.

Breakthrough Genomics
Classification: Likely benign. Review status: criteria provided, single submitter. Criteria: ACMG Guidelines, 2015. Collection method: not provided. Allele origin: germline. Inheritance: X-linked inheritance. Affected: yes. Not counted in ClinVar's aggregate classification.

PreventionGenetics, part of Exact Sciences
Classification: Benign. Review status: criteria provided, single submitter. Criteria: ACMG Guidelines, 2015. Collection method: clinical testing. Allele origin: germline. Not counted in ClinVar's aggregate classification.

Institute of Human Genetics, Univ. Regensburg, Univ. Regensburg
Classification: Uncertain significance for Retinal dystrophy. Last evaluated: 2009-01-01. Review status: no assertion criteria provided. Criteria: ACMG Guidelines, 2015. Collection method: clinical testing. Allele origin: germline. Affected: yes. Not counted in ClinVar's aggregate classification.

Clinical Genetics DNA and cytogenetics Diagnostics Lab, Erasmus MC, Erasmus Medical Center
Classification: Likely benign. Review status: no assertion criteria provided. Collection method: clinical testing. Allele origin: germline. Affected: yes. Study: VKGL Data-share Consensus. Not counted in ClinVar's aggregate classification.

Clinical Genetics, Academic Medical Center
Classification: Benign. Review status: no assertion criteria provided. Collection method: clinical testing. Allele origin: germline. Affected: yes. Study: VKGL Data-share Consensus. Not counted in ClinVar's aggregate classification.

Laboratory of Diagnostic Genome Analysis, Leiden University Medical Center (LUMC)
Classification: Likely benign. Review status: no assertion criteria provided. Collection method: clinical testing. Allele origin: germline. Affected: yes. Study: VKGL Data-share Consensus. Not counted in ClinVar's aggregate classification.

NM_001034853.2(RPGR):c.1367A>G (p.Gln456Arg)

Gene: RPGR (retinitis pigmentosa GTPase regulator; minus strand). Cytogenetic location: Xp11.4.
Variant type: single nucleotide variant.
Coding change: c.1367A>G on transcript NM_001034853.2 (MANE Select); coding-DNA position 1367, A replaced by G.
Protein change: p.Gln456Arg; replaces glutamine 456 with arginine.
Molecular consequence: missense variant. On other transcripts: non-coding transcript variant (6).
Genome position (GRCh38, 1-based): chrX:38,297,331, T>C on the plus strand (A>G on the coding strand, the complement: RPGR is on the minus strand). VCF-style: chrX-38297331-T-C. GRCh37 (hg19) VCF-style: chrX-38156584-T-C.
Other names: NM_001034853.2(RPGR):c.1367A>G; c.1367A>G, p.Gln456Arg (NM_000328.3, NM_001367247.1); c.1364A>G, p.Gln455Arg (NM_001367245.1, NM_001367249.1, NM_001367250.1); c.1181A>G, p.Gln394Arg (NM_001367246.1, NM_001367251.1); c.1397A>G, p.Gln466Arg (NM_001367248.1); short protein forms Q456R, Q394R, Q466R, Q455R.
Identifiers: ClinVar variation 92850 (VCV000092850.32), dbSNP rs144635565, ClinGen allele CA146033.